The following is an entry in ClinVar:

NM_006182.4(DDR2):c.979G>A (p.Val327Ile)

Gene: DDR2 (discoidin domain receptor tyrosine kinase 2; plus strand). Cytogenetic location: 1q23.3.
Variant type: single nucleotide variant.
Coding change: c.979G>A on transcript NM_006182.4 (MANE Select); coding-DNA position 979, G replaced by A.
Protein change: p.Val327Ile; replaces valine 327 with isoleucine.
Molecular consequence: missense variant.
Genome position (GRCh38, 1-based): chr1:162,761,334, G>A. VCF-style: chr1-162761334-G-A. GRCh37 (hg19) VCF-style: chr1-162731124-G-A.
Other names: c.979G>A (NM_006182.2); c.979G>A, p.Val327Ile (NM_001014796.3, NM_001354982.2, NM_001354983.2); short protein forms V327I.
Identifiers: ClinVar variation 1896038 (VCV001896038.7), dbSNP rs183287339, ClinGen allele CA1217389.

ClinVar aggregate classification (germline): Uncertain significance. Review status: criteria provided, multiple submitters, no conflicts (2 of 4 stars). 2 submissions from 2 submitters: Uncertain significance (2). Last evaluated 2023-08-30.

Conditions:
Inborn genetic diseases. Identifiers: MedGen C0950123, MeSH D030342.

Allele frequency attached by ClinVar (database versions not stated): gnomAD 0.00001; gnomAD exomes 0.00001; TOPMed 0.00002; ExAC 0.00006; 1000 Genomes Project 30x 0.00031; 1000 Genomes Project 0.00040.
gnomAD v4.1: 25 of 1,614,166 alleles (0.0015%); highest among the groups gnomAD compares: East Asian, 0.031%; no homozygotes.

Submissions (2):

Labcorp Genetics (formerly Invitae), Labcorp
Classification: Uncertain significance. Last evaluated: 2023-08-30. Review status: criteria provided, single submitter. Criteria: Invitae Variant Classification Sherloc (09022015). Collection method: clinical testing. Allele origin: germline.
Comment: This sequence change replaces valine, which is neutral and non-polar, with isoleucine, which is neutral and non-polar, at codon 327 of the DDR2 protein (p.Val327Ile). This variant is present in population databases (rs183287339, gnomAD 0.07%). In summary, the available evidence is currently insufficient to determine the role of this variant in disease. Therefore, it has been classified as a Variant of Uncertain Significance. An algorithm developed to predict the effect of missense changes on protein structure and function (PolyPhen-2) suggests that this variant is likely to be tolerated. ClinVar contains an entry for this variant (Variation ID: 1896038). This variant has not been reported in the literature in individuals affected with DDR2-related conditions.

Ambry Genetics
Classification: Uncertain significance for Inborn genetic diseases. Last evaluated: 2023-02-28. Review status: criteria provided, single submitter. Criteria: Ambry Variant Classification Scheme 2023. Collection method: clinical testing. Allele origin: germline.